The following is an entry in ClinVar:

ClinVar aggregate classification (germline): Uncertain significance (1 of 4 stars; one submission).

Conditions:
Epilepsy, early-onset, vitamin B6-dependent. Also called: PLPBP Deficiency; EPILEPSY, EARLY-ONSET, 1, VITAMIN B6-DEPENDENT. Identifiers: MedGen C4310632, MONDO:0015005, OMIM 617290.

Submission:

Neurogenetics Team, Indira Gandhi Institute of Child Health
Classification: Uncertain significance for Epilepsy, early-onset, vitamin B6-dependent. Last evaluated: 2024-10-18. Review status: criteria provided, single submitter. Criteria: ACMG Guidelines, 2015. Collection method: clinical testing. Allele origin: biparental. Inheritance: Autosomal recessive inheritance. Affected: yes. Observed: 1 homozygote.
Comment: The variant identified p.(Asn68Lys) here is absent in gnomAD (PM2), multiple insilico tools predict the variant to be damaging (PP3). Based on the above findings, the variant is classified as variant of unknown significance.

NM_007198.4(PLPBP):c.204C>A (p.Asn68Lys)

Gene: PLPBP (pyridoxal phosphate binding protein; plus strand). Cytogenetic location: 8p11.23.
Variant type: single nucleotide variant.
Coding change: c.204C>A on transcript NM_007198.4 (MANE Select); coding-DNA position 204, C replaced by A.
Protein change: p.Asn68Lys; replaces asparagine 68 with lysine.
Molecular consequence: missense variant.
Genome position (GRCh38, 1-based): chr8:37,765,630, C>A. VCF-style: chr8-37765630-C-A. GRCh37 (hg19) VCF-style: chr8-37623148-C-A.
Other names: c.204C>A, p.Asn68Lys (NM_001349346.2, NM_001349347.2); c.48C>A, p.Asn16Lys (NM_001349348.2); c.309C>A, p.Asn103Lys (NM_001349349.1); short protein forms N103K, N16K, N68K.
Identifiers: ClinVar variation 3384686 (VCV003384686.2).